The following is an entry in ClinVar:

NM_001436401.1(NOBOX):c.1347C>T (p.Ser449=)

Gene: NOBOX (NOBOX oogenesis homeobox; minus strand). Cytogenetic location: 7q35.
Variant type: single nucleotide variant.
Coding change: c.1347C>T on transcript NM_001436401.1 (MANE Select); coding-DNA position 1347, C replaced by T.
Protein change: p.Ser449=; no amino-acid change (serine 449 retained).
Molecular consequence: synonymous variant.
Genome position (GRCh38, 1-based): chr7:144,398,358, G>A on the plus strand (C>T on the coding strand, the complement: NOBOX is on the minus strand). VCF-style: chr7-144398358-G-A. GRCh37 (hg19) VCF-style: chr7-144095451-G-A.
Other names: NM_001080413.3:c.1698C>T; c.795C>T, p.Ser265= (NM_001436402.1).
Identifiers: ClinVar variation 359139 (VCV000359139.23), dbSNP rs374879171, ClinGen allele CA4544514.

ClinVar aggregate classification (germline): Conflicting classifications of pathogenicity. Review status: criteria provided, conflicting classifications (1 of 4 stars). 2 submissions from 2 submitters: Uncertain significance (1); Likely benign (1). Last evaluated 2024-06-01.

Conditions:
Premature ovarian failure 5 (POF5). Identifiers: MedGen C1969060, MONDO:0012689, OMIM 611548.

Allele frequency attached by ClinVar (database versions not stated): 1000 Genomes Project 30x 0.00016; 1000 Genomes Project 0.00020; gnomAD 0.00025; TOPMed 0.00025.
gnomAD v4.1: 216 of 1,537,144 alleles (0.014%); highest among the groups gnomAD compares: East Asian, 0.11%; no homozygotes.

Submissions (2):

CeGaT Center for Human Genetics Tuebingen
Classification: Likely benign. Last evaluated: 2024-06-01. Review status: criteria provided, single submitter. Criteria: CeGaT Center For Human Genetics Tuebingen Variant Classification Criteria Version 2. Collection method: clinical testing. Allele origin: germline. Affected: yes. Observed: 1 variant allele.
Comment: NOBOX: BP4, BP7

Illumina Laboratory Services, Illumina
Classification: Uncertain significance for Premature ovarian failure 5. Last evaluated: 2018-01-12. Review status: criteria provided, single submitter. Criteria: ICSL Variant Classification Criteria 13 December 2019. Collection method: clinical testing. Allele origin: germline.